The following is an entry in ClinVar:

NM_016252.4(BIRC6):c.12570A>G (p.Gly4190=)

Gene: BIRC6 (baculoviral IAP repeat containing 6; plus strand). Cytogenetic location: 2p22.3.
Variant type: single nucleotide variant.
Coding change: c.12570A>G on transcript NM_016252.4 (MANE Select); coding-DNA position 12570, A replaced by G.
Protein change: p.Gly4190=; no amino-acid change (glycine 4190 retained).
Molecular consequence: synonymous variant.
Genome position (GRCh38, 1-based): chr2:32,543,519, A>G. VCF-style: chr2-32543519-A-G. GRCh37 (hg19) VCF-style: chr2-32768586-A-G.
Other names: c.12567A>G, p.Gly4189= (NM_001378125.1).
Identifiers: ClinVar variation 3038575 (VCV003038575.2), dbSNP rs114349611, ClinGen allele CA1605313.

ClinVar aggregate classification (germline): Likely benign (0 of 4 stars; one submission).

Conditions:
BIRC6-related disorder. Also called: BIRC6-related condition.

Allele frequency attached by ClinVar (database versions not stated): ExAC 0.00019; ESP Exome Variant Server 0.00062; gnomAD 0.00076; 1000 Genomes Project 0.00080; 1000 Genomes Project 30x 0.00094; TOPMed 0.00096.
gnomAD v4.1: 239 of 1,613,776 alleles (0.015%); highest among the groups gnomAD compares: African/African-American, 0.29%; no homozygotes.

Submission:

PreventionGenetics, part of Exact Sciences
Classification: Likely benign for BIRC6-related condition. Last evaluated: 2021-03-15. Review status: no assertion criteria provided. Collection method: clinical testing. Allele origin: germline.
Comment: This variant is classified as likely benign based on ACMG/AMP sequence variant interpretation guidelines (Richards et al. 2015 PMID: 25741868, with internal and published modifications).